The following is an entry in ClinVar:

NM_002734.5(PRKAR1A):c.256C>G (p.Pro86Ala)

Gene: PRKAR1A (protein kinase cAMP-dependent type I regulatory subunit alpha; plus strand). Cytogenetic location: 17q24.2.
Variant type: single nucleotide variant.
Coding change: c.256C>G on transcript NM_002734.5 (MANE Select); coding-DNA position 256, C replaced by G.
Protein change: p.Pro86Ala; replaces proline 86 with alanine.
Molecular consequence: missense variant.
Genome position (GRCh38, 1-based): chr17:68,522,834, C>G. VCF-style: chr17-68522834-C-G. GRCh37 (hg19) VCF-style: chr17-66518975-C-G.
Other names: c.256C>G, p.Pro86Ala (NM_001276289.2, NM_001276290.1, NM_001278433.2 and 4 more transcripts); short protein forms P86A.
Identifiers: ClinVar variation 5027321 (VCV005027321.1).

ClinVar aggregate classification (germline): Uncertain significance (1 of 4 stars; one submission).

Conditions:
Hereditary cancer-predisposing syndrome. Also called: Neoplastic Syndromes, Hereditary; Tumor predisposition; Hereditary neoplastic syndrome; Hereditary Cancer Syndrome. Identifiers: Orphanet 140162, MedGen C0027672, MeSH D009386, MONDO:0015356.

Submission:

Ambry Genetics
Classification: Uncertain significance for Hereditary cancer-predisposing syndrome. Last evaluated: 2026-07-06. Review status: criteria provided, single submitter. Criteria: Ambry Variant Classification Scheme 2023. Collection method: clinical testing. Allele origin: germline.
Comment: The p.P86A variant (also known as c.256C>G), located in coding exon 2 of the PRKAR1A gene, results from a C to G substitution at nucleotide position 256. The proline at codon 86 is replaced by alanine, an amino acid with highly similar properties. This amino acid position is conserved. In addition, the in silico prediction for this alteration is inconclusive. Based on the available evidence, the clinical significance of this variant remains unclear.